The following is an entry in ClinVar:

NM_003079.5(SMARCE1):c.896G>A (p.Arg299Lys)

Gene: SMARCE1 (SWI/SNF related BAF chromatin remodeling complex subunit E1; minus strand). Cytogenetic location: 17q21.2.
Variant type: single nucleotide variant.
Coding change: c.896G>A on transcript NM_003079.5 (MANE Select); coding-DNA position 896, G replaced by A.
Protein change: p.Arg299Lys; replaces arginine 299 with lysine.
Molecular consequence: missense variant.
Genome position (GRCh38, 1-based): chr17:40,630,845, C>T on the plus strand (G>A on the coding strand, the complement: SMARCE1 is on the minus strand). VCF-style: chr17-40630845-C-T. GRCh37 (hg19) VCF-style: chr17-38787097-C-T.
Other names: short protein forms R299K.
Identifiers: ClinVar variation 3223102 (VCV003223102.1), dbSNP rs1555605248, ClinGen allele CA399363743.

ClinVar aggregate classification (germline): Uncertain significance (1 of 4 stars; one submission).

Conditions:
Hereditary cancer-predisposing syndrome. Also called: Tumor predisposition; Hereditary neoplastic syndrome; Hereditary Cancer Syndrome; Neoplastic Syndromes, Hereditary. Identifiers: Orphanet 140162, MedGen C0027672, MeSH D009386, MONDO:0015356.

Submission:

Ambry Genetics
Classification: Uncertain significance for Hereditary cancer-predisposing syndrome. Last evaluated: 2024-02-01. Review status: criteria provided, single submitter. Criteria: Ambry Variant Classification Scheme 2023. Collection method: clinical testing. Allele origin: germline.
Comment: The p.R299K variant (also known as c.896G>A), located in coding exon 9 of the SMARCE1 gene, results from a G to A substitution at nucleotide position 896. The arginine at codon 299 is replaced by lysine, an amino acid with highly similar properties. This amino acid position is highly conserved in available vertebrate species. In addition, this alteration is predicted to be tolerated by in silico analysis. Based on the available evidence, the clinical significance of this alteration remains unclear.